The following is an entry in ClinVar:

ClinVar aggregate classification (germline): Uncertain significance (1 of 4 stars; one submission).

Conditions:
Cardiovascular phenotype. Identifiers: MedGen CN230736.

Submission:

Ambry Genetics
Classification: Uncertain significance for Cardiovascular phenotype. Last evaluated: 2024-11-23. Review status: criteria provided, single submitter. Criteria: Ambry Variant Classification Scheme 2023. Collection method: clinical testing. Allele origin: germline.
Comment: The p.V509A variant (also known as c.1526T>C), located in coding exon 10 of the CBL gene, results from a T to C substitution at nucleotide position 1526. The valine at codon 509 is replaced by alanine, an amino acid with similar properties. This amino acid position is conserved. In addition, this alteration is predicted to be tolerated by in silico analysis. Based on the available evidence, the clinical significance of this variant remains unclear.

NM_005188.4(CBL):c.1526T>C (p.Val509Ala)

Gene: CBL (Cbl proto-oncogene; plus strand). Cytogenetic location: 11q23.3.
Variant type: single nucleotide variant.
Coding change: c.1526T>C on transcript NM_005188.4 (MANE Select); coding-DNA position 1526, T replaced by C.
Protein change: p.Val509Ala; replaces valine 509 with alanine.
Molecular consequence: missense variant.
Genome position (GRCh38, 1-based): chr11:119,285,063, T>C. VCF-style: chr11-119285063-T-C. GRCh37 (hg19) VCF-style: chr11-119155773-T-C.
Other names: short protein forms V509A.
Identifiers: ClinVar variation 3485608 (VCV003485608.1).
Genomic context (GRCh38, chr11:119,285,063, plus strand): 5'-CACAAGCTTCCCTTCCCCCGGTGCCACCACGACTTGACCTTCTGCCGCAGCGAGTATGTG[T>C]TCCCTCAAGTGCTTCTGCTCTTGGAACTGCTTCTAAGGTAAAGCATTTTCCATTACTGCA-3'
Protein context (NP_005179.2, residues 499-519): RLDLLPQRVC[Val509Ala]PSSASALGTA